The following is an entry in ClinVar:

NM_017617.5(NOTCH1):c.403+3del

Gene: NOTCH1 (notch receptor 1; minus strand). Cytogenetic location: 9q34.3.
Variant type: Deletion.
Coding change: c.403+3del on transcript NM_017617.5 (MANE Select); 3 bases into the intron after coding-DNA position 403, one base deleted (G; older notation c.403+3delG).
Molecular consequence: intron variant.
Genome position (GRCh38, 1-based): chr9:136,523,714, C deleted on the plus strand (G on the coding strand, the reverse complement: NOTCH1 is on the minus strand). VCF-style (leftmost placement, unchanged base first): chr9-136523713-TC-T. GRCh37 (hg19) VCF-style: chr9-139418165-TC-T.
Identifiers: ClinVar variation 1506218 (VCV001506218.6), dbSNP rs2133378865, ClinGen allele CA2573144309.

ClinVar aggregate classification (germline): Uncertain significance (1 of 4 stars; one submission).

Conditions:
Adams-Oliver syndrome 5 (AOS5). Identifiers: Orphanet 974, MedGen C4014970, MONDO:0014459, OMIM 616028.

Submission:

Labcorp Genetics (formerly Invitae), Labcorp
Classification: Uncertain significance for Adams-Oliver syndrome 5. Last evaluated: 2022-06-05. Review status: criteria provided, single submitter. Criteria: Invitae Variant Classification Sherloc (09022015). Collection method: clinical testing. Allele origin: germline.
Comment: This sequence change falls in intron 3 of the NOTCH1 gene. It does not directly change the encoded amino acid sequence of the NOTCH1 protein. It affects a nucleotide within the consensus splice site. This variant is not present in population databases (gnomAD no frequency). This variant has not been reported in the literature in individuals affected with NOTCH1-related conditions. ClinVar contains an entry for this variant (Variation ID: 1506218). Variants that disrupt the consensus splice site are a relatively common cause of aberrant splicing (PMID: 17576681, 9536098). Algorithms developed to predict the effect of sequence changes on RNA splicing suggest that this variant is not likely to affect RNA splicing. In summary, the available evidence is currently insufficient to determine the role of this variant in disease. Therefore, it has been classified as a Variant of Uncertain Significance.

Literature cited by the submitters: PubMed 17576681; PubMed 9536098.